The following is an entry in ClinVar:

ClinVar aggregate classification (germline): Conflicting classifications of pathogenicity. Review status: criteria provided, conflicting classifications (1 of 4 stars). 5 submissions from 5 submitters: Uncertain significance (4); Likely benign (1). Last evaluated 2025-04-30.

Conditions:
CHARGE syndrome (CHARGE). Also called: Coloboma, heart anomaly, choanal atresia, retardation, genital and ear anomalies; CHARGE association; Hall-Hittner syndrome; Hittner Hirsch Kreh syndrome; CHARGE ASSOCIATION--COLOBOMA, HEART ANOMALY, CHOANAL ATRESIA, RETARDATION, GENITAL AND EAR ANOMALIES. Identifiers: Orphanet 138, MedGen C0265354, MONDO:0008965.
CHD7-related disorder. Also called: CHD7-related condition.
Inborn genetic diseases. Identifiers: MedGen C0950123, MeSH D030342.
Hypogonadotropic hypogonadism 5 with or without anosmia (KAL5). Also called: HYPOGONADOTROPIC HYPOGONADISM 5 WITH ANOSMIA; HYPOGONADOTROPHIC HYPOGONADISM 5 WITHOUT ANOSMIA; CHD7-Related GnRH Deficiency (Kallmann Syndrome 5). Identifiers: Orphanet 478, MedGen C3552553, MONDO:0012880, OMIM 612370. Disease mechanism: loss of function.

Allele frequency attached by ClinVar (database versions not stated): ExAC 0.00001; gnomAD 0.00001.
gnomAD v4.1: 28 of 1,613,776 alleles (0.0017%); highest among the groups gnomAD compares: Non-Finnish European, 0.0022%; no homozygotes.

Submissions (5):

Labcorp Genetics (formerly Invitae), Labcorp
Classification: Likely benign for CHARGE syndrome. Last evaluated: 2025-04-30. Review status: criteria provided, single submitter. Criteria: Invitae Variant Classification Sherloc (09022015). Collection method: clinical testing. Allele origin: germline.

GeneDx
Classification: Uncertain significance. Last evaluated: 2024-03-27. Review status: criteria provided, single submitter. Criteria: GeneDx Variant Classification Process June 2021. Collection method: clinical testing. Allele origin: germline. Affected: yes.
Comment: Not observed at significant frequency in large population cohorts (gnomAD); In silico analysis supports that this missense variant does not alter protein structure/function; Has not been previously published as pathogenic or benign to our knowledge

Ambry Genetics
Classification: Uncertain significance for Inborn genetic diseases. Last evaluated: 2023-10-14. Review status: criteria provided, single submitter. Criteria: Ambry Variant Classification Scheme 2023. Collection method: clinical testing. Allele origin: germline.

PreventionGenetics, part of Exact Sciences
Classification: Uncertain significance for CHD7-related condition. Last evaluated: 2023-07-12. Review status: criteria provided, single submitter. Criteria: ACMG Guidelines, 2015. Collection method: clinical testing. Allele origin: germline.
Comment: The CHD7 c.3047A>G variant is predicted to result in the amino acid substitution p.His1016Arg. To our knowledge, this variant has not been reported in the literature. This variant is reported in 0.0027% of alleles in individuals of European (Non-Finnish) descent in gnomAD. At this time, the clinical significance of this variant is uncertain due to the absence of conclusive functional and genetic evidence.

Fulgent Genetics
Classification: Uncertain significance for CHD7-related CHARGE syndrome; Hypogonadotropic hypogonadism 5 with or without anosmia. Last evaluated: 2022-02-01. Review status: criteria provided, single submitter. Criteria: ACMG Guidelines, 2015. Collection method: clinical testing. Allele origin: unknown.

NM_017780.4(CHD7):c.3047A>G (p.His1016Arg)

Gene: CHD7 (chromodomain helicase DNA binding protein 7; plus strand). Cytogenetic location: 8q12.2.
Variant type: single nucleotide variant.
Coding change: c.3047A>G on transcript NM_017780.4 (MANE Select); coding-DNA position 3047, A replaced by G.
Protein change: p.His1016Arg; replaces histidine 1016 with arginine.
Molecular consequence: missense variant. On other transcripts: intron variant (1).
Genome position (GRCh38, 1-based): chr8:60,822,592, A>G. VCF-style: chr8-60822592-A-G. GRCh37 (hg19) VCF-style: chr8-61735151-A-G.
Other names: c.1717-39637A>G (NM_001316690.1); c.3047A>G (NM_017780.2); short protein forms H1016R.
Identifiers: ClinVar variation 654752 (VCV000654752.12), dbSNP rs750785243, ClinGen allele CA4759881.